The following is an entry in ClinVar:

ClinVar aggregate classification (germline): Likely benign. Review status: criteria provided, multiple submitters, no conflicts (2 of 4 stars). 3 submissions from 3 submitters: Likely benign (3). Last evaluated 2026-01-22.

Conditions:
Ataxia-telangiectasia syndrome (AT). Also called: LOUIS-BAR SYNDROME; Cerebello-oculocutaneous telangiectasia; Immunodeficiency with ataxia telangiectasia; Ataxia telangiectasia (A-T); Ataxia-telangiectasia, complementation group D; AT, COMPLEMENTATION GROUP C. Identifiers: Orphanet 100, MedGen C0004135, MONDO:0008840, OMIM 208900.
Familial cancer of breast. Also called: BREAST CANCER, FAMILIAL; Hereditary breast cancer; hereditary breast carcinoma. Identifiers: Orphanet 227535, MedGen C0346153, MONDO:0016419, OMIM 114480. Disease mechanism: loss of function.
Hereditary cancer-predisposing syndrome. Also called: Tumor predisposition; Neoplastic Syndromes, Hereditary; Hereditary Cancer Syndrome; Hereditary neoplastic syndrome. Identifiers: Orphanet 140162, MedGen C0027672, MeSH D009386, MONDO:0015356.

Allele frequency attached by ClinVar (database versions not stated): gnomAD exomes below 0.00001.
gnomAD v4.1: 1 of 1,612,922 alleles (0.000062%); highest among the groups gnomAD compares: Non-Finnish European, 0.000085%; no homozygotes.

Submissions (3):

Labcorp Genetics (formerly Invitae), Labcorp
Classification: Likely benign for Ataxia-telangiectasia syndrome. Last evaluated: 2026-01-22. Review status: criteria provided, single submitter. Criteria: Invitae Variant Classification Sherloc (09022015). Collection method: clinical testing. Allele origin: germline.

Ambry Genetics
Classification: Likely benign for Hereditary cancer-predisposing syndrome. Last evaluated: 2025-02-27. Review status: criteria provided, single submitter. Criteria: Ambry Variant Classification Scheme 2023. Collection method: clinical testing. Allele origin: germline.

Myriad Genetics, Inc.
Classification: Likely benign for Familial cancer of breast. Last evaluated: 2024-06-13. Review status: criteria provided, single submitter. Criteria: Myriad Autosomal Dominant, Autosomal Recessive and X-Linked Classification Criteria (2023). Collection method: clinical testing. Allele origin: unknown.
Comment: This variant is considered likely benign. This variant is intronic and is not expected to impact mRNA splicing.

NM_000051.4(ATM):c.7308-4C>T

Genes: ATM (ATM serine/threonine kinase; plus strand), C11orf65 (chromosome 11 open reading frame 65; minus strand). Cytogenetic location: 11q22.3.
Variant type: single nucleotide variant.
Coding change: c.7308-4C>T on transcript NM_000051.4 (MANE Select); 4 bases into the intron before coding-DNA position 7308, C replaced by T.
Molecular consequence: intron variant.
Genome position (GRCh38, 1-based): chr11:108,330,210, C>T. VCF-style: chr11-108330210-C-T. GRCh37 (hg19) VCF-style: chr11-108200937-C-T.
Other names: c.7308-4C>T (NM_001351834.2); c.641-21139G>A (NM_001330368.2); c.*38+5010G>A (NM_001351110.2).
Identifiers: ClinVar variation 2802070 (VCV002802070.5), dbSNP rs2136450957, ClinGen allele CA2615861474.